The following is an entry in ClinVar:

ClinVar aggregate classification (germline): Uncertain significance (1 of 4 stars; one submission).

Submission:

Labcorp Genetics (formerly Invitae), Labcorp
Classification: Uncertain significance. Last evaluated: 2022-01-03. Review status: criteria provided, single submitter. Criteria: Invitae Variant Classification Sherloc (09022015). Collection method: clinical testing. Allele origin: germline.
Comment: In summary, the available evidence is currently insufficient to determine the role of this variant in disease. Therefore, it has been classified as a Variant of Uncertain Significance. Algorithms developed to predict the effect of sequence changes on RNA splicing suggest that this variant may create or strengthen a splice site. Algorithms developed to predict the effect of missense changes on protein structure and function are either unavailable or do not agree on the potential impact of this missense change (SIFT: "Deleterious"; PolyPhen-2: "Benign"; Align-GVGD: "Class C45"). This variant has not been reported in the literature in individuals affected with KLHL7-related conditions. This variant is not present in population databases (gnomAD no frequency). This sequence change replaces lysine, which is basic and polar, with glutamine, which is neutral and polar, at codon 261 of the KLHL7 protein (p.Lys261Gln).

NM_001031710.3(KLHL7):c.781A>C (p.Lys261Gln)

Gene: KLHL7 (kelch like family member 7; plus strand). Cytogenetic location: 7p15.3.
Variant type: single nucleotide variant.
Coding change: c.781A>C on transcript NM_001031710.3 (MANE Select); coding-DNA position 781, A replaced by C.
Protein change: p.Lys261Gln; replaces lysine 261 with glutamine.
Molecular consequence: missense variant. On other transcripts: non-coding transcript variant (1).
Genome position (GRCh38, 1-based): chr7:23,144,013, A>C. VCF-style: chr7-23144013-A-C. GRCh37 (hg19) VCF-style: chr7-23183632-A-C.
Other names: c.637A>C, p.Lys213Gln (NM_018846.5); short protein forms K261Q, K213Q.
Identifiers: ClinVar variation 1485928 (VCV001485928.6), dbSNP rs2128465056, ClinGen allele CA366978072.